The following is an entry in ClinVar:

ClinVar aggregate classification (germline): Uncertain significance (1 of 4 stars; one submission).

Conditions:
Developmental and epileptic encephalopathy, 11 (DEE11). Also called: Early infantile epileptic encephalopathy 11. Identifiers: Orphanet 1934, MedGen C3150987, MONDO:0013388, OMIM 613721.
Seizures, benign familial infantile, 3 (BFIS3). Also called: CONVULSIONS, BENIGN FAMILIAL INFANTILE, 3; Familial neonatal seizures. Identifiers: Orphanet 140927, Orphanet 306, MedGen C1843140, MONDO:0011904, OMIM 607745.

Submission:

Labcorp Genetics (formerly Invitae), Labcorp
Classification: Uncertain significance for Seizures, benign familial infantile, 3; Developmental and epileptic encephalopathy, 11. Last evaluated: 2025-02-25. Review status: criteria provided, single submitter. Criteria: Invitae Variant Classification Sherloc (09022015). Collection method: clinical testing. Allele origin: germline.
Comment: This sequence change replaces lysine, which is basic and polar, with threonine, which is neutral and polar, at codon 1399 of the SCN2A protein (p.Lys1399Thr). This variant is not present in population databases (gnomAD no frequency). This variant has not been reported in the literature in individuals affected with SCN2A-related conditions. Invitae Evidence Modeling of protein sequence and biophysical properties (such as structural, functional, and spatial information, amino acid conservation, physicochemical variation, residue mobility, and thermodynamic stability) indicates that this missense variant is expected to disrupt SCN2A protein function with a positive predictive value of 95%. In summary, the available evidence is currently insufficient to determine the role of this variant in disease. Therefore, it has been classified as a Variant of Uncertain Significance.

NM_001040142.2(SCN2A):c.4196A>C (p.Lys1399Thr)

Gene: SCN2A (sodium voltage-gated channel alpha subunit 2; plus strand). Cytogenetic location: 2q24.3.
Variant type: single nucleotide variant.
Coding change: c.4196A>C on transcript NM_001040142.2 (MANE Select); coding-DNA position 4196, A replaced by C.
Protein change: p.Lys1399Thr; replaces lysine 1399 with threonine.
Molecular consequence: missense variant.
Genome position (GRCh38, 1-based): chr2:165,374,908, A>C. VCF-style: chr2-165374908-A-C. GRCh37 (hg19) VCF-style: chr2-166231418-A-C.
Other names: c.4196A>C, p.Lys1399Thr (NM_001040143.2, NM_001371246.1, NM_001371247.1 and 1 more transcripts); short protein forms K1399T.
Identifiers: ClinVar variation 4783609 (VCV004783609.1).